The following is an entry in ClinVar:

NM_001006658.3(CR2):c.457G>A (p.Glu153Lys)

Gene: CR2 (complement C3d receptor 2; plus strand). Cytogenetic location: 1q32.2.
Variant type: single nucleotide variant.
Coding change: c.457G>A on transcript NM_001006658.3 (MANE Select); coding-DNA position 457, G replaced by A.
Protein change: p.Glu153Lys; replaces glutamic acid 153 with lysine.
Molecular consequence: missense variant.
Genome position (GRCh38, 1-based): chr1:207,468,538, G>A. VCF-style: chr1-207468538-G-A. GRCh37 (hg19) VCF-style: chr1-207641883-G-A.
Other names: c.457G>A, p.Glu153Lys (NM_001877.5); short protein forms E153K.
Identifiers: ClinVar variation 1984028 (VCV001984028.3), dbSNP rs539720446, ClinGen allele CA1368443.

ClinVar aggregate classification (germline): Uncertain significance. Review status: criteria provided, multiple submitters, no conflicts (2 of 4 stars). 3 submissions from 3 submitters: Uncertain significance (3). Last evaluated 2026-04-14.

Conditions:
Immunodeficiency, common variable, 7. Identifiers: Orphanet 1572, Orphanet 696894, MedGen C3542922, MONDO:0013862, OMIM 614699.
Inborn genetic diseases. Identifiers: MedGen C0950123, MeSH D030342.
CR2-related disorder. Also called: CR2-related disorders; CR2-related condition.

Allele frequency attached by ClinVar (database versions not stated): ExAC 0.00001; TOPMed 0.00002; gnomAD 0.00003.

Submissions (3):

PreventionGenetics, part of Exact Sciences
Classification: Uncertain significance for CR2-related condition. Last evaluated: 2026-04-14. Review status: criteria provided, single submitter. Criteria: ACMG Guidelines, 2015. Collection method: clinical testing. Allele origin: germline.
Comment: The CR2 c.457G>A variant is predicted to result in the amino acid substitution p.Glu153Lys. To our knowledge, this variant has not been reported in the literature. This variant is reported in 0.0018% of alleles in individuals of European (Non-Finnish) descent in gnomAD. At this time, the clinical significance of this variant is uncertain due to the absence of conclusive functional and genetic evidence.

Ambry Genetics
Classification: Uncertain significance for Inborn genetic diseases. Last evaluated: 2025-09-18. Review status: criteria provided, single submitter. Criteria: Ambry Variant Classification Scheme 2023. Collection method: clinical testing. Allele origin: germline.

Labcorp Genetics (formerly Invitae), Labcorp
Classification: Uncertain significance for Immunodeficiency, common variable, 7. Last evaluated: 2022-06-18. Review status: criteria provided, single submitter. Criteria: Invitae Variant Classification Sherloc (09022015). Collection method: clinical testing. Allele origin: germline.
Comment: This sequence change replaces glutamic acid, which is acidic and polar, with lysine, which is basic and polar, at codon 153 of the CR2 protein (p.Glu153Lys). This variant is present in population databases (rs539720446, gnomAD 0.002%). This variant has not been reported in the literature in individuals affected with CR2-related conditions. Algorithms developed to predict the effect of missense changes on protein structure and function output the following: SIFT: "Tolerated"; PolyPhen-2: "Benign"; Align-GVGD: "Class C0". The lysine amino acid residue is found in multiple mammalian species, which suggests that this missense change does not adversely affect protein function. In summary, the available evidence is currently insufficient to determine the role of this variant in disease. Therefore, it has been classified as a Variant of Uncertain Significance.